The following is an entry in ClinVar:

ClinVar aggregate classification (germline): Uncertain significance (1 of 4 stars; one submission).

Conditions:
Hennekam lymphangiectasia-lymphedema syndrome 2 (HKLLS2). Identifiers: Orphanet 2136, MedGen C4014939, MONDO:0014454, OMIM 616006.

gnomAD v4.1: 1 of 1,614,102 alleles (0.000062%); no homozygotes.

Submission:

Clinical Genomics Laboratory, Washington University in St. Louis
Classification: Uncertain significance for Hennekam lymphangiectasia-lymphedema syndrome 2. Last evaluated: 2024-10-08. Review status: criteria provided, single submitter. Criteria: ACMG Guidelines, 2015. Collection method: clinical testing. Allele origin: germline.
Comment: A FAT4 c.14009G>A (p.Gly4670Glu) variant was identified at a heterozygous allelic fraction of 50.6%, a frequency which may be consistent with germline origin. This variant, to our knowledge, has not been reported in the medical literature and is only observed on 1/1,614,102 alleles in the general population (gnomAD v.4.1.0), indicating it is not a common variant. Computational predictors are uncertain as to the impact of this variant on FAT4 function. Due to limited information, and based on ACMG/AMP guidelines for variant interpretation (Richards S et al., PMID: 25741868), the clinical significance of this variant is uncertain at this time.

NM_001291303.3(FAT4):c.14009G>A (p.Gly4670Glu)

Gene: FAT4 (FAT atypical cadherin 4; plus strand). Cytogenetic location: 4q28.1.
Variant type: single nucleotide variant.
Coding change: c.14009G>A on transcript NM_001291303.3 (MANE Select); coding-DNA position 14009, G replaced by A.
Protein change: p.Gly4670Glu; replaces glycine 4670 with glutamic acid.
Molecular consequence: missense variant.
Genome position (GRCh38, 1-based): chr4:125,490,825, G>A. VCF-style: chr4-125490825-G-A. GRCh37 (hg19) VCF-style: chr4-126411980-G-A.
Other names: c.14006G>A, p.Gly4669Glu (NM_001291285.3); c.14003G>A, p.Gly4668Glu (NM_024582.6); short protein forms G4668E, G4669E, G4670E.
Identifiers: ClinVar variation 3600440 (VCV003600440.1).